The following is an entry in ClinVar:

NM_006439.5(MAB21L2):c.48C>T (p.Tyr16=)

Genes: LRBA (LPS responsive beige-like anchor protein; minus strand), MAB21L2 (mab-21 like 2; plus strand). Cytogenetic location: 4q31.3.
Variant type: single nucleotide variant.
Coding change: c.48C>T on transcript NM_006439.5 (MANE Select); coding-DNA position 48, C replaced by T.
Protein change: p.Tyr16=; no amino-acid change (tyrosine 16 retained).
Molecular consequence: synonymous variant. On other transcripts: intron variant (6).
Genome position (GRCh38, 1-based): chr4:150,583,077, C>T. VCF-style: chr4-150583077-C-T. GRCh37 (hg19) VCF-style: chr4-151504229-C-T.
Other names: c.6330+4971G>A (NM_001367550.1, NM_001199282.3, NM_001364905.1 and 1 more transcripts); c.6363+4971G>A (NM_006726.5, NM_001440430.1).
Identifiers: ClinVar variation 2076966 (VCV002076966.6), dbSNP rs150635928, ClinGen allele CA3102015.
Genomic context (GRCh38, chr4:150,583,077, plus strand): 5'-CCTGTGCCCCAACATGATCGCCGCTCAGGCCAAGCTGGTTTACCAGCTCAATAAGTACTA[C>T]ACTGAGCGCTGTCAGGCGCGCAAGGCGGCCATCGCCAAAACCATCCGAGAGGTCTGTAAG-3'
Protein context (NP_006430.1, residues 6-26): AKLVYQLNKY[Tyr16=]TERCQARKAA

ClinVar aggregate classification (germline): Likely benign. Review status: criteria provided, single submitter (1 of 4 stars). 2 submissions from 2 submitters: Likely benign (1). 1 of the submissions does not count toward it. Last evaluated 2025-07-24.

Conditions:
MAB21L2-related disorder. Also called: MAB21L2-related condition.

Allele frequency attached by ClinVar (database versions not stated): gnomAD 0.00023; ESP Exome Variant Server 0.00015; 1000 Genomes Project 30x 0.00016; 1000 Genomes Project 0.00020; gnomAD exomes 0.00003; ExAC 0.00013; TOPMed 0.00035.
gnomAD v4.1: 88 of 1,613,692 alleles (0.0055%); highest among the groups gnomAD compares: African/African-American, 0.069%; no homozygotes.

Submissions (2):

Labcorp Genetics (formerly Invitae), Labcorp
Classification: Likely benign. Last evaluated: 2025-07-24. Review status: criteria provided, single submitter. Criteria: Invitae Variant Classification Sherloc (09022015). Collection method: clinical testing. Allele origin: germline.

PreventionGenetics, part of Exact Sciences
Classification: Likely benign for MAB21L2-related condition. Last evaluated: 2024-07-15. Review status: no assertion criteria provided. Collection method: clinical testing. Allele origin: germline. Not counted in ClinVar's aggregate classification.
Comment: This variant is classified as likely benign based on ACMG/AMP sequence variant interpretation guidelines (Richards et al. 2015 PMID: 25741868, with internal and published modifications).